The following is an entry in ClinVar:

ClinVar aggregate classification (germline): Uncertain significance (1 of 4 stars; one submission).

Conditions:
PCSK1-related disorder. Also called: PCSK1-related condition.

gnomAD v4.1: 9 of 1,604,254 alleles (0.00056%); highest among the groups gnomAD compares: South Asian, 0.0099%; no homozygotes.

Submission:

PreventionGenetics, part of Exact Sciences
Classification: Uncertain significance for PCSK1-related condition. Last evaluated: 2024-12-27. Review status: criteria provided, single submitter. Criteria: ACMG Guidelines, 2015. Collection method: clinical testing. Allele origin: germline.
Comment: The PCSK1 c.238C>G variant is predicted to result in the amino acid substitution p.Arg80Gly. To our knowledge, this variant has not been reported in the literature. This variant is reported in 0.013% of alleles in individuals of South Asian descent in gnomAD. At this time, the clinical significance of this variant is uncertain due to the absence of conclusive functional and genetic evidence.

NM_000439.5(PCSK1):c.238C>G (p.Arg80Gly)

Genes: CAST (calpastatin; plus strand), PCSK1 (proprotein convertase subtilisin/kexin type 1; minus strand), LOC101929710 (uncharacterized LOC101929710; plus strand). Cytogenetic location: 5q15.
Variant type: single nucleotide variant.
Coding change: c.238C>G on transcript NM_000439.5 (MANE Select); coding-DNA position 238, C replaced by G.
Protein change: p.Arg80Gly; replaces arginine 80 with glycine.
Molecular consequence: missense variant. On other transcripts: intron variant (11).
Genome position (GRCh38, 1-based): chr5:96,429,260, G>C on the plus strand (C>G on the coding strand, the complement: PCSK1 is on the minus strand). VCF-style: chr5-96429260-G-C. GRCh37 (hg19) VCF-style: chr5-95764964-G-C.
Other names: c.-175+49608G>C (NM_001423257.1, NM_001423260.1, NM_001423254.1 and 6 more transcripts); c.97C>G, p.Arg33Gly (NM_001177875.2); c.-103+49608G>C (NM_001423253.1); c.-40+49608G>C (NM_001423258.1); short protein forms R80G, R33G.
Identifiers: ClinVar variation 5001662 (VCV005001662.1).